The following is an entry in ClinVar:

NM_000541.5(SAG):c.944+135A>G

Gene: SAG (S-antigen visual arrestin; plus strand). Cytogenetic location: 2q37.1.
Variant type: single nucleotide variant.
Coding change: c.944+135A>G on transcript NM_000541.5 (MANE Select); 135 bases into the intron after coding-DNA position 944, A replaced by G.
Molecular consequence: intron variant.
Genome position (GRCh38, 1-based): chr2:233,335,234, A>G. VCF-style: chr2-233335234-A-G. GRCh37 (hg19) VCF-style: chr2-234243880-A-G.
Identifiers: ClinVar variation 1707183 (VCV001707183.2), dbSNP rs139365749, ClinGen allele CA67557334.
Genomic context (GRCh38, chr2:233,335,234, plus strand): 5'-TGCTGGGCTCGCAGGCACGCACGTGCAGCATGGTGGTCTGGCGTGTGTAGTGTGGAGTGC[A>G]TATCTACGGGCCCACACAAGGATCCCACTCTCACCCCTGGTGTGATGTGGGGGTTACACC-3'

ClinVar aggregate classification (germline): Likely benign (1 of 4 stars; one submission).

Allele frequency attached by ClinVar (database versions not stated): 1000 Genomes Project 30x 0.00437; 1000 Genomes Project 0.00459; TOPMed 0.00502; gnomAD 0.00860; gnomAD exomes 0.00888.
gnomAD v4.1: 10,258 of 1,170,746 alleles (0.88%); highest among the groups gnomAD compares: Non-Finnish European, 0.9%; 95 homozygotes.

Submission:

GeneDx
Classification: Likely benign. Last evaluated: 2018-11-05. Review status: criteria provided, single submitter. Criteria: GeneDx Variant Classification Process June 2021. Collection method: clinical testing. Allele origin: germline. Affected: yes.
Comment: See Variant Classification Assertion Criteria.